The following is an entry in ClinVar:

NM_003742.4(ABCB11):c.2087G>A (p.Arg696Gln)

Gene: ABCB11 (ATP binding cassette subfamily B member 11; minus strand). Cytogenetic location: 2q31.1.
Variant type: single nucleotide variant.
Coding change: c.2087G>A on transcript NM_003742.4 (MANE Select); coding-DNA position 2087, G replaced by A.
Protein change: p.Arg696Gln; replaces arginine 696 with glutamine.
Molecular consequence: missense variant.
Genome position (GRCh38, 1-based): chr2:168,964,297, C>T on the plus strand (G>A on the coding strand, the complement: ABCB11 is on the minus strand). VCF-style: chr2-168964297-C-T. GRCh37 (hg19) VCF-style: chr2-169820807-C-T.
Other names: p.Arg696Gln; c.2087G>A, p.Arg696Gln (LRG_1199t1); short protein forms R696Q.
Identifiers: ClinVar variation 290851 (VCV000290851.21), dbSNP rs141862495, ClinGen allele CA1951368.
Genomic context (GRCh38, chr2:168,964,297, plus strand): 5'-TCTACAACAGCTAATGGAGGTTCGTGCACCAGGTAAGAAAGCTGAGACTTGGAGCGTTGC[C>T]GGATGGAAGCCCTGTAAATAAACAGAAAGATGAAACAGTGTAGACTGTGGCCAGATTGGA-3'
Protein context (NP_003733.2, residues 686-706): SYQDSLRASI[Arg696Gln]QRSKSQLSYL

ClinVar aggregate classification (germline): Conflicting classifications of pathogenicity. Review status: criteria provided, conflicting classifications (1 of 4 stars). 9 submissions from 8 submitters: Uncertain significance (8); Benign (1). Last evaluated 2026-09-07.

Conditions:
Familial intrahepatic cholestasis. Identifiers: Orphanet 284385, MedGen CN296401, MONDO:0017290.
Benign recurrent intrahepatic cholestasis type 2 (BRIC2). Also called: Recurrent familial intrahepatic cholestasis 2. Identifiers: Orphanet 65682, Orphanet 99961, MedGen C2608083, MONDO:0011559, OMIM 605479.
Progressive familial intrahepatic cholestasis type 2. Identifiers: Orphanet 79304, MedGen C3489789, MONDO:0011156, OMIM 601847.
ABCB11-related disorder. Also called: ABCB11-related condition.

Allele frequency attached by ClinVar (database versions not stated): gnomAD exomes 0.00009 and 0.00016; ExAC 0.00035; TOPMed 0.00039; gnomAD 0.00040 and 0.00042; ESP Exome Variant Server 0.00065; 1000 Genomes Project 30x 0.00078; 1000 Genomes Project 0.00080.
gnomAD v4.1: 182 of 1,563,022 alleles (0.012%); highest among the groups gnomAD compares: African/African-American, 0.1%; no homozygotes.

Submissions (9):

PreventionGenetics, part of Exact Sciences
Classification: Uncertain significance for ABCB11-related condition. Last evaluated: 2026-09-07. Review status: criteria provided, single submitter. Criteria: ACMG Guidelines, 2015. Collection method: clinical testing. Allele origin: germline.
Comment: The ABCB11 c.2087G>A variant is predicted to result in the amino acid substitution p.Arg696Gln. This variant was reported along with two other ABCB11 variants in an individual with progressive familial intrahepatic cholestasis; no additional genetic or functional evidence was provided that could help clarify the pathogenicity of this variant (Supplemental Table 6, Wang et al. 2022. PubMed ID: 35257483). This variant is reported in 0.089% of alleles in individuals of African descent in gnomAD, which may be too common to be a primary cause of disease. Although we suspect that this variant may be benign, at this time, the clinical significance of this variant is uncertain due to the absence of conclusive functional and genetic evidence.

Genomenon, Inc
Classification: Uncertain significance for Familial intrahepatic cholestasis. Last evaluated: 2026-04-14. Review status: criteria provided, single submitter. Criteria: Genomenon Sequence Variant Interpretation Standards - Updated. Collection method: curation. Allele origin: germline. Affected: yes.
Comment: ABCB11 p.Arg696Gln (c.2087G>A) is a missense variant that changes the amino acid at residue 696 from Arginine to Glutamine. This variant has been observed in at least one proband with an ABCB11-related disorder (PMID:41165782). In conclusion, we classify ABCB11 p.Arg696Gln (c.2087G>A) as a variant of uncertain significance.

Labcorp Genetics (formerly Invitae), Labcorp
Classification: Benign. Last evaluated: 2026-01-13. Review status: criteria provided, single submitter. Criteria: Invitae Variant Classification Sherloc (09022015). Collection method: clinical testing. Allele origin: germline.

3billion
Classification: Uncertain significance for Progressive familial intrahepatic cholestasis type 2. Last evaluated: 2025-12-16. Review status: criteria provided, single submitter. Criteria: ACMG Guidelines, 2015. Collection method: clinical testing. Allele origin: germline. Affected: yes.
Comment: The variant is observed at an extremely low frequency in the gnomAD v4.1.0 dataset (total allele frequency: 0.012%). Predicted Consequence/Location: Missense variant The same nucleotide change resulting in the same amino acid change has been previously reported to be associated with ABCB11-related disorder (PMID: 35257483). A different missense change at the same codon (p.Arg696Trp) has been reported to be associated with ABCB11-related disorder (ClinVar ID: VCV001705084 /PMID: 24969679). Therefore, this variant is classified as VUS according to the recommendation of ACMG/AMP guideline.

Mayo Clinic Laboratories, Mayo Clinic
Classification: Uncertain significance. Last evaluated: 2024-09-06. Review status: criteria provided, single submitter. Criteria: ACMG Guidelines, 2015. Collection method: clinical testing. Allele origin: germline. Observed: 1 variant allele.
Comment: PM2

Genome-Nilou Lab
Classification: Uncertain significance for Benign recurrent intrahepatic cholestasis type 2. Last evaluated: 2021-07-14. Review status: criteria provided, single submitter. Criteria: ACMG Guidelines, 2015. Collection method: clinical testing. Allele origin: germline. Affected: no.

Genome-Nilou Lab
Classification: Uncertain significance for Progressive familial intrahepatic cholestasis type 2. Last evaluated: 2021-07-14. Review status: criteria provided, single submitter. Criteria: ACMG Guidelines, 2015. Collection method: clinical testing. Allele origin: germline. Affected: no.

Eurofins Ntd Llc (ga)
Classification: Uncertain significance. Last evaluated: 2018-04-20. Review status: criteria provided, single submitter. Criteria: EGL ClinVar v180209 classification definitions. Collection method: clinical testing. Allele origin: germline. Observed: 5 variant alleles, 5 heterozygotes.

Illumina Laboratory Services, Illumina
Classification: Uncertain significance for Progressive familial intrahepatic cholestasis type 2. Last evaluated: 2018-01-13. Review status: criteria provided, single submitter. Criteria: ICSL Variant Classification Criteria 13 December 2019. Collection method: clinical testing. Allele origin: germline.

Literature cited by the submitters: PubMed 41165782 (cited by Genomenon, Inc); PubMed 35257483 (cited by 3billion and Mayo Clinic Laboratories, Mayo Clinic); PubMed 24969679 (cited by 3billion); PubMed 22795478 (cited by Mayo Clinic Laboratories, Mayo Clinic).